The following is an entry in ClinVar:

ClinVar aggregate classification (germline): Pathogenic (1 of 4 stars; one submission).

Conditions:
Ehlers-Danlos syndrome, classic type, 1 (EDSCL1). Also called: EHLERS-DANLOS SYNDROME, GRAVIS TYPE; EHLERS-DANLOS SYNDROME, SEVERE CLASSIC TYPE; Ehlers-Danlos syndrome, type 1; EDS I; Ehlers-Danlos Syndrome, Classic Type, COL5A1-Related. Identifiers: MedGen C0268335, MONDO:0019567, OMIM 130000.

Submission:

Labcorp Genetics (formerly Invitae), Labcorp
Classification: Pathogenic for Ehlers-Danlos syndrome, classic type, 1. Last evaluated: 2022-02-06. Review status: criteria provided, single submitter. Criteria: Invitae Variant Classification Sherloc (09022015). Collection method: clinical testing. Allele origin: germline.
Comment: For these reasons, this variant has been classified as Pathogenic. This variant has not been reported in the literature in individuals affected with COL5A1-related conditions. This variant is not present in population databases (gnomAD no frequency). This sequence change creates a premature translational stop signal (p.Pro1263Glnfs*13) in the COL5A1 gene. It is expected to result in an absent or disrupted protein product. Loss-of-function variants in COL5A1 are known to be pathogenic (PMID: 23587214).

Literature cited by the submitters: PubMed 23587214.

NM_000093.5(COL5A1):c.3788del (p.Pro1263fs)

Gene: COL5A1 (collagen type V alpha 1 chain; plus strand). Cytogenetic location: 9q34.3.
Variant type: Deletion.
Coding change: c.3788del on transcript NM_000093.5 (MANE Select); coding-DNA position 3788, one base deleted (C; older notation c.3788delC).
Protein change: p.Pro1263fs; shifts the reading frame from proline 1263.
Molecular consequence: frameshift variant.
Genome position (GRCh38, 1-based): chr9:134,812,648, C deleted; the last of 2 consecutive C bases (chr9:134,812,647-134,812,648); deleting either gives the same sequence. VCF-style (leftmost placement, unchanged base first): chr9-134812646-TC-T. GRCh37 (hg19) VCF-style: chr9-137704492-TC-T.
Other names: c.3788del, p.Pro1263fs (NM_001278074.1); short protein forms P1263fs.
Identifiers: ClinVar variation 2094139 (VCV002094139.4), dbSNP rs2490823809, ClinGen allele CA2580080030.